The following is an entry in ClinVar:

ClinVar aggregate classification (germline): Uncertain significance (1 of 4 stars; one submission).

Conditions:
Bloom syndrome (BLM). Also called: Bloom-Torre-Machacek syndrome. Identifiers: Orphanet 125, MedGen C0005859, MONDO:0008876, OMIM 210900.

Submission:

Labcorp Genetics (formerly Invitae), Labcorp
Classification: Uncertain significance for Bloom syndrome. Last evaluated: 2022-05-03. Review status: criteria provided, single submitter. Criteria: Invitae Variant Classification Sherloc (09022015). Collection method: clinical testing. Allele origin: germline.
Comment: This sequence change replaces serine, which is neutral and polar, with phenylalanine, which is neutral and non-polar, at codon 1355 of the BLM protein (p.Ser1355Phe). This variant is not present in population databases (gnomAD no frequency). This variant has not been reported in the literature in individuals affected with BLM-related conditions. Algorithms developed to predict the effect of missense changes on protein structure and function output the following: SIFT: "Tolerated"; PolyPhen-2: "Benign"; Align-GVGD: "Class C0". The phenylalanine amino acid residue is found in multiple mammalian species, which suggests that this missense change does not adversely affect protein function. In summary, the available evidence is currently insufficient to determine the role of this variant in disease. Therefore, it has been classified as a Variant of Uncertain Significance.

NM_000057.4(BLM):c.4064C>T (p.Ser1355Phe)

Gene: BLM (BLM RecQ like helicase; plus strand). Cytogenetic location: 15q26.1.
Variant type: single nucleotide variant.
Coding change: c.4064C>T on transcript NM_000057.4 (MANE Select); coding-DNA position 4064, C replaced by T.
Protein change: p.Ser1355Phe; replaces serine 1355 with phenylalanine.
Molecular consequence: missense variant.
Genome position (GRCh38, 1-based): chr15:90,811,394, C>T. VCF-style: chr15-90811394-C-T. GRCh37 (hg19) VCF-style: chr15-91354624-C-T.
Other names: c.4064C>T, p.Ser1355Phe (NM_001287246.2); c.3671C>T, p.Ser1224Phe (NM_001287247.2); c.2939C>T, p.Ser980Phe (NM_001287248.2); short protein forms S1224F, S1355F, S980F.
Identifiers: ClinVar variation 2133299 (VCV002133299.4), dbSNP rs2505567813, ClinGen allele CA393851538.
Genomic context (GRCh38, chr15:90,811,394, plus strand): 5'-AGAGGAAAAAGATGCCAGCCTCCCAAAGGTCTAAGAGGAGAAAAACTGCTTCCAGTGGTT[C>T]CAAGGCAAAGGGGTATGTTTTGTGACATCTTTTTCAATATAGGGAACAAGGGAAGAAAGG-3'
Protein context (NP_000048.1, residues 1345-1365): SKRRKTASSG[Ser1355Phe]KAKGGSATCR